The following is an entry in ClinVar:

ClinVar aggregate classification (germline): Uncertain significance (1 of 4 stars; one submission).

Conditions:
Multiple acyl-CoA dehydrogenase deficiency (MADD). Also called: Glutaric acidemia type II; GA 2; Glutaric Acidemia type 2; ETHYLMALONIC-ADIPICACIDURIA; GA II; Glutaric aciduria, type 2. Identifiers: Orphanet 26791, MedGen C0268596, MONDO:0009282, OMIM 231680.

Allele frequency attached by ClinVar (database versions not stated): gnomAD exomes below 0.00001.

Submission:

Labcorp Genetics (formerly Invitae), Labcorp
Classification: Uncertain significance for Multiple acyl-CoA dehydrogenase deficiency. Last evaluated: 2022-08-10. Review status: criteria provided, single submitter. Criteria: Invitae Variant Classification Sherloc (09022015). Collection method: clinical testing. Allele origin: germline.
Comment: This sequence change replaces glycine, which is neutral and non-polar, with serine, which is neutral and polar, at codon 574 of the ETFDH protein (p.Gly574Ser). This variant is not present in population databases (gnomAD no frequency). This variant has not been reported in the literature in individuals affected with ETFDH-related conditions. ClinVar contains an entry for this variant (Variation ID: 1433540). Advanced modeling of protein sequence and biophysical properties (such as structural, functional, and spatial information, amino acid conservation, physicochemical variation, residue mobility, and thermodynamic stability) performed at Invitae indicates that this missense variant is not expected to disrupt ETFDH protein function. In summary, the available evidence is currently insufficient to determine the role of this variant in disease. Therefore, it has been classified as a Variant of Uncertain Significance.

NM_004453.4(ETFDH):c.1720G>A (p.Gly574Ser)

Gene: ETFDH (electron transfer flavoprotein dehydrogenase; plus strand). Cytogenetic location: 4q32.1.
Variant type: single nucleotide variant.
Coding change: c.1720G>A on transcript NM_004453.4 (MANE Select); coding-DNA position 1720, G replaced by A.
Protein change: p.Gly574Ser; replaces glycine 574 with serine.
Molecular consequence: missense variant.
Genome position (GRCh38, 1-based): chr4:158,708,393, G>A. VCF-style: chr4-158708393-G-A. GRCh37 (hg19) VCF-style: chr4-159629545-G-A.
Other names: c.1579G>A, p.Gly527Ser (NM_001281737.2); c.1537G>A, p.Gly513Ser (NM_001281738.1); short protein forms G527S, G574S, G513S.
Identifiers: ClinVar variation 1433540 (VCV001433540.3), dbSNP rs867281765, ClinGen allele CA108820366.